The following continues an entry in ClinVar:

NM_000059.4(BRCA2):c.5351dup (p.Asn1784fs)

Gene: BRCA2. ClinVar aggregate classification (germline): Pathogenic. Pathogenic (1).

Submissions 33 to 35 of 35:

Clinical Genetics Laboratory, Department of Pathology, Netherlands Cancer Institute
Classification: Pathogenic. Review status: no assertion criteria provided. Collection method: clinical testing. Allele origin: germline. Affected: yes. Study: VKGL Data-share Consensus. Not counted in ClinVar's aggregate classification.

Department of Pathology and Laboratory Medicine, Sinai Health System
Classification: Pathogenic. Review status: no assertion criteria provided. Collection method: clinical testing. Allele origin: unknown. Affected: yes. Study: The Canadian Open Genetics Repository (COGR). Not counted in ClinVar's aggregate classification.

Diagnostic Laboratory, Department of Genetics, University Medical Center Groningen
Classification: Pathogenic. Review status: no assertion criteria provided. Collection method: clinical testing. Allele origin: germline. Affected: yes. Study: VKGL Data-share Consensus. Not counted in ClinVar's aggregate classification.

Literature cited by the submitters: PubMed 20104584 (cited by Labcorp Genetics (formerly Invitae), Labcorp); PubMed 10550133 (cited by 3 submitters); PubMed 21232165 (cited by 4 submitters); PubMed 22006311 (cited by 5 submitters); PubMed 25863477 (cited by 3 submitters); PubMed 28985766 (cited by Dasa); PubMed 19383375 (cited by Dasa); PubMed 17591843 (cited by Dasa); PubMed 16199546 (cited by Dasa); PubMed 17063271 (cited by Dasa); PubMed 25632310 (cited by Dasa); PubMed 23199084 (cited by 4 submitters); PubMed 29335924 (cited by 3 submitters); PubMed 10638982 (cited by 3 submitters); PubMed 10699917 (cited by Ambry Genetics); PubMed 16683254 (cited by Ambry Genetics and Women's Health and Genetics/Laboratory Corporation of America, LabCorp); PubMed 29084914 (cited by Ambry Genetics and Color Diagnostics, LLC DBA Color Health); PubMed 9585613 (cited by 3 submitters); PubMed 11597388 (cited by Color Diagnostics, LLC DBA Color Health and Pathway Genomics); PubMed 28947987 (cited by Women's Health and Genetics/Laboratory Corporation of America, LabCorp); PubMed 15010701 (cited by Counsyl and Pathway Genomics).